The following is an entry in ClinVar:

NM_004329.3(BMPR1A):c.1173A>T (p.Thr391=)

Gene: BMPR1A (bone morphogenetic protein receptor type 1A; plus strand). Cytogenetic location: 10q23.2.
Variant type: single nucleotide variant.
Coding change: c.1173A>T on transcript NM_004329.3 (MANE Select); coding-DNA position 1173, A replaced by T.
Protein change: p.Thr391=; no amino-acid change (threonine 391 retained).
Molecular consequence: synonymous variant.
Genome position (GRCh38, 1-based): chr10:86,921,526, A>T. VCF-style: chr10-86921526-A-T. GRCh37 (hg19) VCF-style: chr10-88681283-A-T.
Identifiers: ClinVar variation 184210 (VCV000184210.20), dbSNP rs766032673, ClinGen allele CA188206.

ClinVar aggregate classification (germline): Benign/Likely benign. Review status: criteria provided, multiple submitters, no conflicts (2 of 4 stars). 6 submissions from 6 submitters: Benign (1); Likely benign (5). Last evaluated 2026-01-21.

Conditions:
Juvenile polyposis syndrome (JPS). Identifiers: Orphanet 2929, MedGen C0345893, MONDO:0017380, OMIM 174900.
Hereditary cancer-predisposing syndrome. Also called: Tumor predisposition; Hereditary Cancer Syndrome; Hereditary neoplastic syndrome; Neoplastic Syndromes, Hereditary. Identifiers: Orphanet 140162, MedGen C0027672, MeSH D009386, MONDO:0015356.

Allele frequency attached by ClinVar (database versions not stated): gnomAD exomes below 0.00001; ExAC 0.00001; gnomAD 0.00001; TOPMed 0.00001.
gnomAD v4.1: 5 of 1,613,914 alleles (0.00031%); highest among the groups gnomAD compares: Non-Finnish European, 0.00042%; no homozygotes.

Submissions (6):

Labcorp Genetics (formerly Invitae), Labcorp
Classification: Likely benign for Juvenile polyposis syndrome. Last evaluated: 2026-01-21. Review status: criteria provided, single submitter. Criteria: Invitae Variant Classification Sherloc (09022015). Collection method: clinical testing. Allele origin: germline.

Myriad Genetics, Inc.
Classification: Benign for Juvenile polyposis syndrome. Last evaluated: 2024-08-07. Review status: criteria provided, single submitter. Criteria: Myriad Autosomal Dominant, Autosomal Recessive and X-Linked Classification Criteria (2023). Collection method: clinical testing. Allele origin: unknown.
Comment: This variant is considered benign. This variant is a silent/synonymous amino acid change and it is not expected to impact splicing.

All of Us Research Program, National Institutes of Health
Classification: Likely benign for Juvenile polyposis syndrome. Last evaluated: 2023-12-14. Review status: criteria provided, single submitter. Criteria: ACMG Guidelines, 2015. Collection method: clinical testing. Allele origin: germline. Inheritance: Autosomal dominant inheritance. Observed: 9 variant alleles, 9 heterozygotes.
Comment: This study involves interpretation of variants in research participants for the purpose of population health screening. Participant phenotype was not available at the time of variant classification. Additional details can be found in publication PMID: 35346344, PMCID: PMC8962531

Color Diagnostics, LLC DBA Color Health
Classification: Likely benign for Hereditary cancer-predisposing syndrome. Last evaluated: 2018-01-07. Review status: criteria provided, single submitter. Criteria: ACMG Guidelines, 2015. Collection method: clinical testing. Allele origin: germline.

GeneDx
Classification: Likely benign. Last evaluated: 2017-07-06. Review status: criteria provided, single submitter. Criteria: GeneDx Variant Classification (06012015). Collection method: clinical testing. Allele origin: germline. Affected: yes.
Comment: This variant is considered likely benign or benign based on one or more of the following criteria: it is a conservative change, it occurs at a poorly conserved position in the protein, it is predicted to be benign by multiple in silico algorithms, and/or has population frequency not consistent with disease.

Ambry Genetics
Classification: Likely benign for Hereditary cancer-predisposing syndrome. Last evaluated: 2014-12-17. Review status: criteria provided, single submitter. Criteria: Ambry Variant Classification Scheme 2023. Collection method: clinical testing. Allele origin: germline.